The following is an entry in ClinVar:

ClinVar aggregate classification (germline): Uncertain significance (1 of 4 stars; one submission).

Conditions:
Hereditary cancer-predisposing syndrome. Also called: Neoplastic Syndromes, Hereditary; Tumor predisposition; Hereditary neoplastic syndrome; Hereditary Cancer Syndrome. Identifiers: Orphanet 140162, MedGen C0027672, MeSH D009386, MONDO:0015356.

Submission:

Ambry Genetics
Classification: Uncertain significance for Hereditary cancer-predisposing syndrome. Last evaluated: 2026-06-29. Review status: criteria provided, single submitter. Criteria: Ambry Variant Classification Scheme 2023. Collection method: clinical testing. Allele origin: germline.
Comment: The c.2502+5G>T intronic variant results from a G to T substitution 5 nucleotides after coding exon 17 in the TSC1 gene. This nucleotide position is highly conserved in available vertebrate species. In silico splice site analysis predicts that this alteration may result in the creation or strengthening of a novel splice donor site. RNA studies have demonstrated that this variant results in a transcript predicted to lead to a protein with an in-frame deletion of 14 amino acids; however, the exact functional impact of the deleted amino acids is unknown at this time (Ambry internal data). Based on the available evidence, the clinical significance of this variant remains unclear.

NM_000368.5(TSC1):c.2502+5G>T

Gene: TSC1 (TSC complex subunit 1; minus strand). Cytogenetic location: 9q34.13.
Variant type: single nucleotide variant.
Coding change: c.2502+5G>T on transcript NM_000368.5 (MANE Select); 5 bases into the intron after coding-DNA position 2502, G replaced by T.
Molecular consequence: intron variant.
Genome position (GRCh38, 1-based): chr9:132,901,584, C>A on the plus strand (G>T on the coding strand, the complement: TSC1 is on the minus strand). VCF-style: chr9-132901584-C-A. GRCh37 (hg19) VCF-style: chr9-135776971-C-A.
Other names: c.2499+5G>T (NM_001406600.1, NM_001406598.1, NM_001162426.2 and 2 more transcripts); c.2502+5G>T (NM_001406595.1, NM_001406593.1, NM_001406596.1 and 2 more transcripts); c.2139+5G>T (NM_001406619.1, NM_001362177.2, NM_001406614.1 and 4 more transcripts); c.2460+47G>T (NM_001406607.1, NM_001406605.1, NM_001406606.1); c.2136+5G>T (NM_001406622.1, NM_001406623.1, NM_001406620.1 and 1 more transcripts); c.2346+5G>T (NM_001406611.1, NM_001406612.1); c.2349+5G>T (NM_001162427.2, NM_001406610.1); c.1548+5G>T (NM_001406628.1, NM_001406627.1); and 8 more.
Identifiers: ClinVar variation 5031197 (VCV005031197.1).